The following is an entry in ClinVar:

NM_022124.6(CDH23):c.748C>T (p.Pro250Ser)

Gene: CDH23 (cadherin related 23; plus strand). Cytogenetic location: 10q22.1.
Variant type: single nucleotide variant.
Coding change: c.748C>T on transcript NM_022124.6 (MANE Select); coding-DNA position 748, C replaced by T.
Protein change: p.Pro250Ser; replaces proline 250 with serine.
Molecular consequence: missense variant.
Genome position (GRCh38, 1-based): chr10:71,570,913, C>T. VCF-style: chr10-71570913-C-T. GRCh37 (hg19) VCF-style: chr10-73330670-C-T.
Other names: c.748C>T, p.Pro250Ser (NM_001171930.2, NM_001171931.2, NM_001171932.2 and 1 more transcripts); short protein forms P250S.
Identifiers: ClinVar variation 1484267 (VCV001484267.5), dbSNP rs780068885, ClinGen allele CA5543527.

ClinVar aggregate classification (germline): Uncertain significance (1 of 4 stars; one submission).

Allele frequency attached by ClinVar (database versions not stated): TOPMed 0.00001; ExAC 0.00001; gnomAD 0.00001; gnomAD exomes 0.00001.

Submission:

Labcorp Genetics (formerly Invitae), Labcorp
Classification: Uncertain significance. Last evaluated: 2022-03-10. Review status: criteria provided, single submitter. Criteria: Invitae Variant Classification Sherloc (09022015). Collection method: clinical testing. Allele origin: germline.
Comment: This sequence change replaces proline, which is neutral and non-polar, with serine, which is neutral and polar, at codon 250 of the CDH23 protein (p.Pro250Ser). This variant is present in population databases (rs780068885, gnomAD 0.002%). This variant has not been reported in the literature in individuals affected with CDH23-related conditions. Algorithms developed to predict the effect of missense changes on protein structure and function are either unavailable or do not agree on the potential impact of this missense change (SIFT: "Deleterious"; PolyPhen-2: "Not Available"; Align-GVGD: "Class C0"). In summary, the available evidence is currently insufficient to determine the role of this variant in disease. Therefore, it has been classified as a Variant of Uncertain Significance.